The following is an entry in ClinVar:

ClinVar aggregate classification (germline): Uncertain significance. Review status: criteria provided, multiple submitters, no conflicts (2 of 4 stars). 4 submissions from 4 submitters: Uncertain significance (4). Last evaluated 2025-11-26.

Conditions:
SLC12A1-related disorder. Also called: SLC12A1-related condition.
Bartter disease type 1. Also called: HYPOKALEMIC ALKALOSIS WITH HYPERCALCIURIA 1, ANTENATAL; Bartter Syndrome type 1; HYPERPROSTAGLANDIN E SYNDROME 1; Bartter syndrome, type 1, antenatal. Identifiers: Orphanet 112, Orphanet 620217, MedGen C1866495, MONDO:0100344, OMIM 601678, MONDO:0011127.
Inborn genetic diseases. Identifiers: MedGen C0950123, MeSH D030342.

Allele frequency attached by ClinVar (database versions not stated): TOPMed 0.00002; ExAC 0.00008.
gnomAD v4.1: 23 of 1,585,574 alleles (0.0015%); highest among the groups gnomAD compares: Admixed American, 0.025%; no homozygotes.

Submissions (4):

PreventionGenetics, part of Exact Sciences
Classification: Uncertain significance for SLC12A1-related condition. Last evaluated: 2025-11-26. Review status: criteria provided, single submitter. Criteria: ACMG Guidelines, 2015. Collection method: clinical testing. Allele origin: germline.
Comment: The SLC12A1 c.406G>A variant is predicted to result in the amino acid substitution p.Glu136Lys. To our knowledge, this variant has not been reported in the literature. This variant is reported in 0.041% of alleles in individuals of Latino descent in gnomAD. At this time, the clinical significance of this variant is uncertain due to the absence of conclusive functional and genetic evidence.

Fulgent Genetics
Classification: Uncertain significance for Bartter disease type 1. Last evaluated: 2024-04-22. Review status: criteria provided, single submitter. Criteria: ACMG Guidelines, 2015. Collection method: clinical testing. Allele origin: germline.

Ambry Genetics
Classification: Uncertain significance for Inborn genetic diseases. Last evaluated: 2023-05-05. Review status: criteria provided, single submitter. Criteria: Ambry Variant Classification Scheme 2023. Collection method: clinical testing. Allele origin: germline.

Labcorp Genetics (formerly Invitae), Labcorp
Classification: Uncertain significance. Last evaluated: 2021-12-31. Review status: criteria provided, single submitter. Criteria: Invitae Variant Classification Sherloc (09022015). Collection method: clinical testing. Allele origin: germline.
Comment: This sequence change replaces glutamic acid, which is acidic and polar, with lysine, which is basic and polar, at codon 136 of the SLC12A1 protein (p.Glu136Lys). This variant is present in population databases (rs757157982, gnomAD 0.04%). This variant has not been reported in the literature in individuals affected with SLC12A1-related conditions. Algorithms developed to predict the effect of missense changes on protein structure and function are either unavailable or do not agree on the potential impact of this missense change (SIFT: "Tolerated"; PolyPhen-2: "Possibly Damaging"; Align-GVGD: "Class C0"). In summary, the available evidence is currently insufficient to determine the role of this variant in disease. Therefore, it has been classified as a Variant of Uncertain Significance.

NM_000338.3(SLC12A1):c.406G>A (p.Glu136Lys)

Gene: SLC12A1 (solute carrier family 12 member 1; plus strand). Cytogenetic location: 15q21.1.
Variant type: single nucleotide variant.
Coding change: c.406G>A on transcript NM_000338.3 (MANE Select); coding-DNA position 406, G replaced by A.
Protein change: p.Glu136Lys; replaces glutamic acid 136 with lysine.
Molecular consequence: missense variant.
Genome position (GRCh38, 1-based): chr15:48,208,125, G>A. VCF-style: chr15-48208125-G-A. GRCh37 (hg19) VCF-style: chr15-48500322-G-A.
Other names: c.406G>A, p.Glu136Lys (NM_001184832.2, NM_001384136.1); c.406G>A (NM_000338.2); short protein forms E136K.
Identifiers: ClinVar variation 2186515 (VCV002186515.5), dbSNP rs757157982, ClinGen allele CA7546744.